The following is an entry in ClinVar:

ClinVar aggregate classification (germline): Benign. Review status: criteria provided, multiple submitters, no conflicts (2 of 4 stars). 3 submissions from 3 submitters: Benign (3). Last evaluated 2025-05-01.

Allele frequency attached by ClinVar (database versions not stated): 1000 Genomes Project 0.00220; gnomAD exomes 0.00450 and 0.00940; gnomAD 0.00562 and 0.00580; TOPMed 0.00571; ESP Exome Variant Server 0.00685; ExAC 0.00809.
gnomAD v4.1: 14,347 of 1,601,252 alleles (0.9%); highest among the groups gnomAD compares: Non-Finnish European, 1.1%; 81 homozygotes.

Submissions (3):

CeGaT Center for Human Genetics Tuebingen
Classification: Benign. Last evaluated: 2025-05-01. Review status: criteria provided, single submitter. Criteria: CeGaT Center For Human Genetics Tuebingen Variant Classification Criteria Version 2. Collection method: clinical testing. Allele origin: germline. Affected: yes. Observed: 1 variant allele.
Comment: MYBBP1A: BP4, BS1, BS2

Labcorp Genetics (formerly Invitae), Labcorp
Classification: Benign. Last evaluated: 2019-12-31. Review status: criteria provided, single submitter. Criteria: Invitae Variant Classification Sherloc (09022015). Collection method: clinical testing. Allele origin: germline.

Breakthrough Genomics
Classification: Benign. Review status: criteria provided, single submitter. Criteria: ACMG Guidelines, 2015. Collection method: not provided. Allele origin: germline. Inheritance: Unknown mechanism. Affected: yes.

NM_014520.4(MYBBP1A):c.2234A>G (p.Glu745Gly)

Gene: MYBBP1A (MYB binding protein 1a; minus strand). Cytogenetic location: 17p13.2.
Variant type: single nucleotide variant.
Coding change: c.2234A>G on transcript NM_014520.4 (MANE Select); coding-DNA position 2234, A replaced by G.
Protein change: p.Glu745Gly; replaces glutamic acid 745 with glycine.
Molecular consequence: missense variant.
Genome position (GRCh38, 1-based): chr17:4,545,102, T>C on the plus strand (A>G on the coding strand, the complement: MYBBP1A is on the minus strand). VCF-style: chr17-4545102-T-C. GRCh37 (hg19) VCF-style: chr17-4448397-T-C.
Other names: c.2234A>G, p.Glu745Gly (NM_001105538.2); short protein forms E745G.
Identifiers: ClinVar variation 782415 (VCV000782415.15), dbSNP rs72830102, ClinGen allele CA8304731.